The following is an entry in ClinVar:

ClinVar aggregate classification (germline): Pathogenic (1 of 4 stars; one submission).

Submission:

Labcorp Genetics (formerly Invitae), Labcorp
Classification: Pathogenic. Last evaluated: 2024-05-16. Review status: criteria provided, single submitter. Criteria: Invitae Variant Classification Sherloc (09022015). Collection method: clinical testing. Allele origin: germline.
Comment: This sequence change creates a premature translational stop signal (p.Phe1914Leufs*27) in the EYS gene. It is expected to result in an absent or disrupted protein product. Loss-of-function variants in EYS are known to be pathogenic (PMID: 18836446, 20333770). This variant is not present in population databases (gnomAD no frequency). This variant has not been reported in the literature in individuals affected with EYS-related conditions. For these reasons, this variant has been classified as Pathogenic.

Literature cited by the submitters: PubMed 18836446; PubMed 20333770.

NM_001142800.2(EYS):c.5738_5739insT (p.Phe1914fs)

Gene: EYS (EGF-like photoreceptor maintenance factor; minus strand). Cytogenetic location: 6q12.
Variant type: Insertion.
Coding change: c.5738_5739insT on transcript NM_001142800.2 (MANE Select); coding-DNA positions 5738 to 5739, T inserted.
Protein change: p.Phe1914fs; shifts the reading frame from phenylalanine 1914.
Molecular consequence: frameshift variant.
Genome position: GRCh38 VCF-style: chr6-64439258-G-GA. GRCh37 (hg19) VCF-style: chr6-65149151-G-GA.
Other names: c.5738_5739insT, p.Phe1914fs (NM_001292009.2); short protein forms F1914fs.
Identifiers: ClinVar variation 3651034 (VCV003651034.2).
Genomic context (GRCh38, chr6:64,439,258, plus strand): 5'-AAATCCATCTACTAAATTTGAGTCTTGCTTGACATACAGCAGAAGTCCATAGGAGCTGAA[G>GA]GTCTGAAATTCTAGGGAGATGTTATTTTGTGGATTTAAAGCCACATTCTGAAATTCTAGA-3'